The following is an entry in ClinVar:

NC_000011.10:g.(?_534206)_(534328_?)dup

Gene: HRAS (HRas proto-oncogene, GTPase; minus strand). Cytogenetic location: 11p15.5.
Variant type: Duplication.
Identifiers: ClinVar variation 833484 (VCV000833484.3).

ClinVar aggregate classification (germline): Uncertain significance (1 of 4 stars; one submission).

Conditions:
Costello syndrome (CSTLO). Also called: HRAS-Related Costello Syndrome; FACIOCUTANEOSKELETAL SYNDROME; FCS SYNDROME. Identifiers: Orphanet 3071, MedGen C0587248, MONDO:0009026, OMIM 218040.

Submission:

Labcorp Genetics (formerly Invitae), Labcorp
Classification: Uncertain significance for Costello syndrome. Last evaluated: 2020-05-27. Review status: criteria provided, single submitter. Criteria: Invitae Variant Classification Sherloc (09022015). Collection method: clinical testing. Allele origin: germline.
Comment: This variant results in a copy number gain of the genomic region encompassing exons 1-2 of the HRAS gene. The 5' end of this event is unknown as it extends beyond the assayed region for this gene and therefore may encompass additional genes. The 3' boundary is likely confined to intron 2 of the HRAS gene, which includes the initiator codon. As the precise location of this event is unknown, it may be in tandem or it may be located elsewhere in the genome. This variant has not been reported in the literature in individuals with HRAS-related conditions. Experimental studies and prediction algorithms are not available for this variant, and the functional significance of the affected amino acid(s) is currently unknown. In summary, the available evidence is currently insufficient to determine the role of this variant in disease. Therefore, it has been classified as a Variant of Uncertain Significance.